The following is an entry in ClinVar:

NM_015072.5(TTLL5):c.2885G>T (p.Arg962Leu)

Gene: TTLL5 (tubulin tyrosine ligase like 5; plus strand). Cytogenetic location: 14q24.3.
Variant type: single nucleotide variant.
Coding change: c.2885G>T on transcript NM_015072.5 (MANE Select); coding-DNA position 2885, G replaced by T.
Protein change: p.Arg962Leu; replaces arginine 962 with leucine.
Molecular consequence: missense variant.
Genome position (GRCh38, 1-based): chr14:75,783,429, G>T. VCF-style: chr14-75783429-G-T. GRCh37 (hg19) VCF-style: chr14-76249772-G-T.
Other names: short protein forms R962L.
Identifiers: ClinVar variation 1895740 (VCV001895740.4), dbSNP rs199507575, ClinGen allele CA7279835.

ClinVar aggregate classification (germline): Uncertain significance. Review status: criteria provided, multiple submitters, no conflicts (2 of 4 stars). 3 submissions from 3 submitters: Uncertain significance (2). 1 of the submissions does not count toward it. Last evaluated 2023-03-09.

Conditions:
Retinal dystrophy. Also called: Inherited retinal dystrophy. Identifiers: Orphanet 71862, MedGen C0854723, MeSH D058499, MONDO:0019118, HP:0000556.

gnomAD v4.1: 74 of 1,614,038 alleles (0.0046%); highest among the groups gnomAD compares: Middle Eastern, 0.033%; no homozygotes.

Submissions (3):

Blueprint Genetics
Classification: Uncertain significance. Last evaluated: 2023-03-09. Review status: criteria provided, single submitter. Criteria: ACMG Guidelines, 2015. Collection method: clinical testing. Allele origin: germline.

Labcorp Genetics (formerly Invitae), Labcorp
Classification: Uncertain significance. Last evaluated: 2022-07-14. Review status: criteria provided, single submitter. Criteria: Invitae Variant Classification Sherloc (09022015). Collection method: clinical testing. Allele origin: germline.
Comment: This sequence change replaces arginine, which is basic and polar, with leucine, which is neutral and non-polar, at codon 962 of the TTLL5 protein (p.Arg962Leu). This variant is present in population databases (rs199507575, gnomAD 0.006%). This variant has not been reported in the literature in individuals affected with TTLL5-related conditions. Algorithms developed to predict the effect of missense changes on protein structure and function are either unavailable or do not agree on the potential impact of this missense change (SIFT: "Tolerated"; PolyPhen-2: "Possibly Damaging"; Align-GVGD: "Class C0"). In summary, the available evidence is currently insufficient to determine the role of this variant in disease. Therefore, it has been classified as a Variant of Uncertain Significance.

Institute of Human Genetics, Univ. Regensburg, Univ. Regensburg
Classification: Uncertain significance for Retinal dystrophy. Last evaluated: 2019-01-01. Review status: no assertion criteria provided. Criteria: ACMG Guidelines, 2015. Collection method: clinical testing. Allele origin: germline. Affected: yes. Not counted in ClinVar's aggregate classification.